The following is an entry in ClinVar:

ClinVar aggregate classification (germline): Likely pathogenic (1 of 4 stars; one submission).

Conditions:
SCAPER-related disorder. Also called: SCAPER-related condition.

Submission:

PreventionGenetics, part of Exact Sciences
Classification: Likely pathogenic for SCAPER-related condition. Last evaluated: 2025-09-12. Review status: criteria provided, single submitter. Criteria: ACMG Guidelines, 2015. Collection method: clinical testing. Allele origin: germline.
Comment: The SCAPER c.1963_1966dupGAAC variant is predicted to result in a frameshift and premature protein termination (p.Gln656Argfs*5). To our knowledge, this variant has not been reported in the literature or in a large population database (gnomAD), indicating this variant is rare. Frameshift variants in SCAPER are expected to be pathogenic. This variant is interpreted as likely pathogenic.

NM_020843.4(SCAPER):c.1945_1948dup (p.Gln650fs)

Gene: SCAPER (S-phase cyclin A associated protein in the ER; minus strand). Cytogenetic location: 15q24.3.
Variant type: Duplication.
Coding change: c.1945_1948dup on transcript NM_020843.4 (MANE Select); coding-DNA positions 1945 to 1948, 4 bases duplicated (GAAC; older notation c.1945_1948dupGAAC).
Protein change: p.Gln650fs; shifts the reading frame from glutamine 650.
Molecular consequence: frameshift variant. On other transcripts: non-coding transcript variant (1).
Genome position (GRCh38, 1-based): chr15:76,733,303-76,733,306, GTTC duplicated on the plus strand (GAAC on the coding strand, the reverse complement: SCAPER is on the minus strand). VCF-style (leftmost placement, unchanged base first): chr15-76733302-T-TGTTC. GRCh37 (hg19) VCF-style: chr15-77025643-T-TGTTC.
Other names: c.1207_1210dup, p.Gln404fs (NM_001145923.2); c.1963_1966dup, p.Gln656fs (NM_001353009.2); c.1543_1546dup, p.Gln516fs (NM_001353010.2, NM_001353012.2); c.1561_1564dup, p.Gln522fs (NM_001353011.2); short protein forms Q404fs, Q522fs, Q656fs, Q516fs, Q650fs.
Identifiers: ClinVar variation 4993480 (VCV004993480.1).
Genomic context (GRCh38, chr15:76,733,302, plus strand): 5'-TCACGTGCTTGCTTTTCTTCCTGTCTTCTCTGACGCTCTTCCTGTAGCTCATTAAGCCTC[T>TGTTC]GTTCATATTCCTTCAATTTTGATAAAACATCATGACGTTTATTCTGGGCTTCAAGGGTAT-3'